The following is an entry in ClinVar:

NM_000059.4(BRCA2):c.5506A>G (p.Asn1836Asp)

Gene: BRCA2 (BRCA2 DNA repair associated; plus strand). Cytogenetic location: 13q13.1.
Variant type: single nucleotide variant.
Coding change: c.5506A>G on transcript NM_000059.4 (MANE Select); coding-DNA position 5506, A replaced by G.
Protein change: p.Asn1836Asp; replaces asparagine 1836 with aspartic acid.
Molecular consequence: missense variant.
Genome position (GRCh38, 1-based): chr13:32,339,861, A>G. VCF-style: chr13-32339861-A-G. GRCh37 (hg19) VCF-style: chr13-32913998-A-G.
Other names: c.5506A>G, p.Asn1836Asp (NM_001406719.1, NM_001406720.1); short protein forms N1836D.
Identifiers: ClinVar variation 1748008 (VCV001748008.5), dbSNP rs2137518120, ClinGen allele CA387785821.

ClinVar aggregate classification (germline): Conflicting classifications of pathogenicity. Review status: criteria provided, conflicting classifications (1 of 4 stars). 2 submissions from 2 submitters: Uncertain significance (1); Likely benign (1). Last evaluated 2024-10-23.

Conditions:
Hereditary cancer-predisposing syndrome. Also called: Hereditary Cancer Syndrome; Hereditary neoplastic syndrome; Neoplastic Syndromes, Hereditary; Tumor predisposition. Identifiers: Orphanet 140162, MedGen C0027672, MeSH D009386, MONDO:0015356.

Submissions (2):

Ambry Genetics
Classification: Uncertain significance for Hereditary cancer-predisposing syndrome. Last evaluated: 2024-10-23. Review status: criteria provided, single submitter. Criteria: Ambry Variant Classification Scheme 2023. Collection method: clinical testing. Allele origin: germline.
Comment: The p.N1836D variant (also known as c.5506A>G), located in coding exon 10 of the BRCA2 gene, results from an A to G substitution at nucleotide position 5506. The asparagine at codon 1836 is replaced by aspartic acid, an amino acid with highly similar properties. This amino acid position is not well conserved in available vertebrate species. In addition, this alteration is predicted to be tolerated by in silico analysis. Since supporting evidence is limited at this time, the clinical significance of this alteration remains unclear.

University of Washington Department of Laboratory Medicine, University of Washington
Classification: Likely benign for Hereditary cancer-predisposing syndrome. Last evaluated: 2023-03-23. Review status: criteria provided, single submitter. Criteria: Dines et al. (Genet Med. 2020). Collection method: curation. Allele origin: germline.
Comment: Missense variant in a coldspot region where missense variants are very unlikely to be pathogenic (PMID:31911673).

BRCA2 exon 11 coldspot. Reclassification based on statistical prior probability.